The following is an entry in ClinVar:

NM_001349253.2(SCN11A):c.492T>G (p.Cys164Trp)

Gene: SCN11A (sodium voltage-gated channel alpha subunit 11; minus strand). Cytogenetic location: 3p22.2.
Variant type: single nucleotide variant.
Coding change: c.492T>G on transcript NM_001349253.2 (MANE Select); coding-DNA position 492, T replaced by G.
Protein change: p.Cys164Trp; replaces cysteine 164 with tryptophan.
Molecular consequence: missense variant.
Genome position (GRCh38, 1-based): chr3:38,926,928, A>C on the plus strand (T>G on the coding strand, the complement: SCN11A is on the minus strand). VCF-style: chr3-38926928-A-C. GRCh37 (hg19) VCF-style: chr3-38968419-A-C.
Other names: c.492T>G, p.Cys164Trp (NM_014139.3); short protein forms C164W.
Identifiers: ClinVar variation 4790033 (VCV004790033.1).
Genomic context (GRCh38, chr3:38,926,928, plus strand): 5'-AATGAAACCTCTTGCCAATATTTTAATCAAAGCTTCAAAAATATAAATCCCAGTGAAGAC[A>C]CACCTAAAAAGCAAATCATTTACAACAGGAAGAAACATGATAAACAATGTGAAAAGCAAA-3'
Protein context (NP_001336182.1, residues 154-174): SNSNNTDIAE[Cys164Trp]VFTGIYIFEA

ClinVar aggregate classification (germline): Uncertain significance (1 of 4 stars; one submission).

Conditions:
Familial episodic pain syndrome with predominantly lower limb involvement. Also called: Episodic pain syndrome, familial, 3. Identifiers: Orphanet 391384, Orphanet 391392, MedGen C3809899, MONDO:0014247, OMIM 615552.
Hereditary sensory and autonomic neuropathy type 7. Also called: HSAN VII; Neuropathy, hereditary sensory and autonomic, type VII. Identifiers: Orphanet 391397, MedGen C3809882, MONDO:0014244, OMIM 615548.

Submission:

Labcorp Genetics (formerly Invitae), Labcorp
Classification: Uncertain significance for Familial episodic pain syndrome with predominantly lower limb involvement; Hereditary sensory and autonomic neuropathy type 7. Last evaluated: 2025-03-07. Review status: criteria provided, single submitter. Criteria: Invitae Variant Classification Sherloc (09022015). Collection method: clinical testing. Allele origin: germline.
Comment: This sequence change replaces cysteine, which is neutral and slightly polar, with tryptophan, which is neutral and slightly polar, at codon 164 of the SCN11A protein (p.Cys164Trp). This variant is not present in population databases (gnomAD no frequency). This variant has not been reported in the literature in individuals affected with SCN11A-related conditions. Invitae Evidence Modeling of protein sequence and biophysical properties (such as structural, functional, and spatial information, amino acid conservation, physicochemical variation, residue mobility, and thermodynamic stability) indicates that this missense variant is not expected to disrupt SCN11A protein function with a negative predictive value of 80%. Algorithms developed to predict the effect of sequence changes on RNA splicing suggest that this variant may disrupt the consensus splice site. In summary, the available evidence is currently insufficient to determine the role of this variant in disease. Therefore, it has been classified as a Variant of Uncertain Significance.